The following is an entry in ClinVar:

ClinVar aggregate classification (germline): Pathogenic/Likely pathogenic. Review status: criteria provided, multiple submitters, no conflicts (2 of 4 stars). 2 submissions from 2 submitters: Pathogenic (1); Likely pathogenic (1). Last evaluated 2024-02-02.

Conditions:
Type I complement component 8 deficiency. Also called: C8AG DEFICIENCY; C8 ALPHA-GAMMA DEFICIENCY; COMPLEMENT C8 DEFICIENCY, TYPE I. Identifiers: MedGen C3151081, MONDO:0013422, OMIM 613790.

Allele frequency attached by ClinVar (database versions not stated): gnomAD exomes 0.00001; gnomAD 0.00004; TOPMed 0.00005.

Submissions (2):

Labcorp Genetics (formerly Invitae), Labcorp
Classification: Pathogenic. Last evaluated: 2024-02-02. Review status: criteria provided, single submitter. Criteria: Invitae Variant Classification Sherloc (09022015). Collection method: clinical testing. Allele origin: germline.
Comment: This sequence change creates a premature translational stop signal (p.Arg498*) in the C8A gene. It is expected to result in an absent or disrupted protein product. Loss-of-function variants in C8A are known to be pathogenic (PMID: 9759902). This variant is present in population databases (no rsID available, gnomAD 0.003%). This variant has not been reported in the literature in individuals affected with C8A-related conditions. ClinVar contains an entry for this variant (Variation ID: 1396432). For these reasons, this variant has been classified as Pathogenic.

Department of Pathology and Laboratory Medicine, Sinai Health System
Classification: Likely pathogenic for Type I complement component 8 deficiency. Last evaluated: 2022-10-31. Review status: criteria provided, single submitter. Criteria: ACMG Guidelines, 2015. Collection method: research. Allele origin: germline.

Literature cited by the submitters: PubMed 9759902 (cited by Labcorp Genetics (formerly Invitae), Labcorp).

NM_000562.3(C8A):c.1492C>T (p.Arg498Ter)

Gene: C8A (complement C8 alpha chain; plus strand). Cytogenetic location: 1p32.2.
Variant type: single nucleotide variant.
Coding change: c.1492C>T on transcript NM_000562.3 (MANE Select); coding-DNA position 1492, C replaced by T.
Protein change: p.Arg498Ter; replaces arginine 498 with a stop codon.
Molecular consequence: nonsense.
Genome position (GRCh38, 1-based): chr1:56,912,514, C>T. VCF-style: chr1-56912514-C-T. GRCh37 (hg19) VCF-style: chr1-57378187-C-T.
Other names: short protein forms R498*.
Identifiers: ClinVar variation 1396432 (VCV001396432.7), dbSNP rs1381017299, ClinGen allele CA340516473.